The following is an entry in ClinVar:

ClinVar aggregate classification (germline): Uncertain significance. Review status: criteria provided, multiple submitters, no conflicts (2 of 4 stars). 2 submissions from 2 submitters: Uncertain significance (2). Last evaluated 2025-08-19.

Conditions:
Inborn genetic diseases. Identifiers: MedGen C0950123, MeSH D030342.

Allele frequency attached by ClinVar (database versions not stated): ExAC 0.00001; gnomAD exomes 0.00001; gnomAD 0.00005; TOPMed 0.00012; 1000 Genomes Project 30x 0.00031; 1000 Genomes Project 0.00040.
gnomAD v4.1: 24 of 1,613,982 alleles (0.0015%); highest among the groups gnomAD compares: Admixed American, 0.025%; no homozygotes.

Submissions (2):

Ambry Genetics
Classification: Uncertain significance for Inborn genetic diseases. Last evaluated: 2025-08-19. Review status: criteria provided, single submitter. Criteria: Ambry Variant Classification Scheme 2023. Collection method: clinical testing. Allele origin: germline.

Labcorp Genetics (formerly Invitae), Labcorp
Classification: Uncertain significance. Last evaluated: 2022-11-01. Review status: criteria provided, single submitter. Criteria: Invitae Variant Classification Sherloc (09022015). Collection method: clinical testing. Allele origin: germline.
Comment: This sequence change replaces isoleucine, which is neutral and non-polar, with valine, which is neutral and non-polar, at codon 149 of the SLC2A9 protein (p.Ile149Val). This variant is present in population databases (rs183829613, gnomAD 0.1%). This variant has not been reported in the literature in individuals affected with SLC2A9-related conditions. Algorithms developed to predict the effect of missense changes on protein structure and function output the following: SIFT: "Tolerated"; PolyPhen-2: "Benign"; Align-GVGD: "Class C0". The valine amino acid residue is found in multiple mammalian species, which suggests that this missense change does not adversely affect protein function. In summary, the available evidence is currently insufficient to determine the role of this variant in disease. Therefore, it has been classified as a Variant of Uncertain Significance.

NM_020041.3(SLC2A9):c.445A>G (p.Ile149Val)

Gene: SLC2A9 (solute carrier family 2 member 9; minus strand). Cytogenetic location: 4p16.1.
Variant type: single nucleotide variant.
Coding change: c.445A>G on transcript NM_020041.3 (MANE Select); coding-DNA position 445, A replaced by G.
Protein change: p.Ile149Val; replaces isoleucine 149 with valine.
Molecular consequence: missense variant.
Genome position (GRCh38, 1-based): chr4:9,985,759, T>C on the plus strand (A>G on the coding strand, the complement: SLC2A9 is on the minus strand). VCF-style: chr4-9985759-T-C. GRCh37 (hg19) VCF-style: chr4-9987383-T-C.
Other names: c.358A>G, p.Ile120Val (NM_001001290.2); c.445A>G (NM_020041.2); short protein forms I149V, I120V.
Identifiers: ClinVar variation 2082462 (VCV002082462.2), dbSNP rs183829613, ClinGen allele CA2857225.